The following is an entry in ClinVar:

ClinVar aggregate classification (germline): Uncertain significance (1 of 4 stars; one submission).

Conditions:
Bardet-Biedl syndrome (BBS). Identifiers: Orphanet 110, MedGen C0752166, MONDO:0015229.
McKusick-Kaufman syndrome (MKKS). Also called: HYDROMETROCOLPOS SYNDROME; HYDROMETROCOLPOS, POSTAXIAL POLYDACTYLY, AND CONGENITAL HEART MALFORMATION. Identifiers: Orphanet 2473, MedGen C0948368, MONDO:0009367, OMIM 236700.

gnomAD v4.1: 2 of 1,613,906 alleles (0.00012%); highest among the groups gnomAD compares: Non-Finnish European, 0.00017%; no homozygotes.

Submission:

Labcorp Genetics (formerly Invitae), Labcorp
Classification: Uncertain significance for McKusick-Kaufman syndrome; Bardet-Biedl syndrome. Last evaluated: 2022-08-08. Review status: criteria provided, single submitter. Criteria: Invitae Variant Classification Sherloc (09022015). Collection method: clinical testing. Allele origin: germline.
Comment: This sequence change replaces histidine, which is basic and polar, with tyrosine, which is neutral and polar, at codon 395 of the MKKS protein (p.His395Tyr). This variant is not present in population databases (gnomAD no frequency). This variant has not been reported in the literature in individuals affected with MKKS-related conditions. Algorithms developed to predict the effect of missense changes on protein structure and function are either unavailable or do not agree on the potential impact of this missense change (SIFT: "Deleterious"; PolyPhen-2: "Possibly Damaging"; Align-GVGD: "Class C15"). This variant disrupts the p.His395 amino acid residue in MKKS. Other variant(s) that disrupt this residue have been determined to be pathogenic (PMID: 26900326). This suggests that this residue is clinically significant, and that variants that disrupt this residue are likely to be disease-causing. In summary, the available evidence is currently insufficient to determine the role of this variant in disease. Therefore, it has been classified as a Variant of Uncertain Significance.

Literature cited by the submitters: PubMed 26900326.

NM_170784.3(MKKS):c.1183C>T (p.His395Tyr)

Gene: MKKS (MKKS centrosomal shuttling protein; minus strand). Cytogenetic location: 20p12.2.
Variant type: single nucleotide variant.
Coding change: c.1183C>T on transcript NM_170784.3 (MANE Select); coding-DNA position 1183, C replaced by T.
Protein change: p.His395Tyr; replaces histidine 395 with tyrosine.
Molecular consequence: missense variant. On other transcripts: non-coding transcript variant (1).
Genome position (GRCh38, 1-based): chr20:10,407,705, G>A on the plus strand (C>T on the coding strand, the complement: MKKS is on the minus strand). VCF-style: chr20-10407705-G-A. GRCh37 (hg19) VCF-style: chr20-10388353-G-A.
Other names: c.1183C>T, p.His395Tyr (NM_018848.3); short protein forms H395Y.
Identifiers: ClinVar variation 2055884 (VCV002055884.1), dbSNP rs1253641594, ClinGen allele CA408231466.
Genomic context (GRCh38, chr20:10,407,705, plus strand): 5'-TTTCAGTACAGCCACCTCCCAACAAAGCCCATGGTTCCTTGAGTGTTAACTGCAGGACAT[G>A]CAGTGCCGTCTGACACGTGAGCTAAGAAAAAACCCAAATCATCAGAATCAGACGTTCACA-3'
Protein context (NP_740754.1, residues 385-405): ELKLTCQTAL[His395Tyr]VLQLTLKEPW